The following is an entry in ClinVar:

NM_182925.5(FLT4):c.3908G>C (p.Gly1303Ala)

Gene: FLT4 (fms related receptor tyrosine kinase 4; minus strand). Cytogenetic location: 5q35.3.
Variant type: single nucleotide variant.
Coding change: c.3908G>C on transcript NM_182925.5 (MANE Select); coding-DNA position 3908, G replaced by C.
Protein change: p.Gly1303Ala; replaces glycine 1303 with alanine.
Molecular consequence: missense variant.
Genome position (GRCh38, 1-based): chr5:180,603,376, C>G on the plus strand (G>C on the coding strand, the complement: FLT4 is on the minus strand). VCF-style: chr5-180603376-C-G. GRCh37 (hg19) VCF-style: chr5-180030376-C-G.
Other names: short protein forms G1303A.
Identifiers: ClinVar variation 263053 (VCV000263053.32), dbSNP rs146806202, ClinGen allele CA3605628.
Genomic context (GRCh38, chr5:180,603,376, plus strand): 5'-TCAGGCCGCCGCCGCCTCCCTTGGGAGTCAGGGTGTGCCCTGGTCACAGCCACATTCTGG[C>G]CAGGTCCTTTACAGCTGCCAAGACAGGGAAGGTGGTGTTAGTAAGAGAAGAAGGCTGGGT-3'
Protein context (NP_891555.2, residues 1293-1313): QESGFSCKGP[Gly1303Ala]QNVAVTRAHP

ClinVar aggregate classification (germline): Benign/Likely benign. Review status: criteria provided, multiple submitters, no conflicts (2 of 4 stars). 4 submissions from 4 submitters: Benign (2); Likely benign (2). Last evaluated 2026-07-01.

Allele frequency attached by ClinVar (database versions not stated): gnomAD 0.00227 and 0.00256; ESP Exome Variant Server 0.00238; TOPMed 0.00280; 1000 Genomes Project 30x 0.00297; gnomAD exomes 0.00304 and 0.00323; 1000 Genomes Project 0.00339; ExAC 0.00359.
gnomAD v4.1: 4,867 of 1,613,944 alleles (0.3%); highest among the groups gnomAD compares: Middle Eastern, 1.4%; 22 homozygotes.

Submissions (4):

CeGaT Center for Human Genetics Tuebingen
Classification: Benign. Last evaluated: 2026-07-01. Review status: criteria provided, single submitter. Criteria: CeGaT Center For Human Genetics Tuebingen Variant Classification Criteria Version 2. Collection method: clinical testing. Allele origin: germline. Affected: yes. Observed: 9 variant alleles.
Comment: FLT4: BP4, BS1, BS2

ARUP Laboratories, Molecular Genetics and Genomics, ARUP Laboratories
Classification: Likely benign. Last evaluated: 2020-12-08. Review status: criteria provided, single submitter. Criteria: ARUP Molecular Germline Variant Investigation Process 2021. Collection method: clinical testing. Allele origin: germline.

Breakthrough Genomics
Classification: Likely benign. Review status: criteria provided, single submitter. Criteria: ACMG Guidelines, 2015. Collection method: not provided. Allele origin: germline. Inheritance: Autosomal dominant inheritance. Affected: yes.

PreventionGenetics, part of Exact Sciences
Classification: Benign. Review status: criteria provided, single submitter. Criteria: ACMG Guidelines, 2015. Collection method: clinical testing. Allele origin: germline.